The following is an entry in ClinVar:

ClinVar aggregate classification (germline): Likely benign (1 of 4 stars; one submission).

gnomAD v4.1: 2 of 1,211,828 alleles (0.00017%); highest among the groups gnomAD compares: Non-Finnish European, 0.00022%; no homozygotes.

Submission:

GeneDx
Classification: Likely benign. Last evaluated: 2024-09-11. Review status: criteria provided, single submitter. Criteria: GeneDx Variant Classification Process June 2021. Collection method: clinical testing. Allele origin: germline. Affected: yes.
Comment: See Variant Classification Assertion Criteria.

NM_003336.4(UBE2A):c.384G>C (p.Gln128His)

Gene: UBE2A (ubiquitin conjugating enzyme E2 A; plus strand). Cytogenetic location: Xq24.
Variant type: single nucleotide variant.
Coding change: c.384G>C on transcript NM_003336.4 (MANE Select); coding-DNA position 384, G replaced by C.
Protein change: p.Gln128His; replaces glutamine 128 with histidine.
Molecular consequence: missense variant.
Genome position (GRCh38, 1-based): chrX:119,583,180, G>C. VCF-style: chrX-119583180-G-C. GRCh37 (hg19) VCF-style: chrX-118717143-G-C.
Other names: c.285G>C, p.Gln95His (NM_001282161.2); c.294G>C, p.Gln98His (NM_181762.3); short protein forms Q128H, Q95H, Q98H.
Identifiers: ClinVar variation 3769869 (VCV003769869.1).
Genomic context (GRCh38, chrX:119,583,180, plus strand): 5'-TCTTTAGTCTCTGTTGGATGAACCCAATCCCAATAGTCCAGCAAACAGCCAGGCTGCTCA[G>C]CTGTACCAGGAGAACAAACGGGAATATGAAAAGCGTGTTTCTGCAATAGTAGAACAAAGC-3'
Protein context (NP_003327.2, residues 118-138): PNSPANSQAA[Gln128His]LYQENKREYE